The following is an entry in ClinVar:

NM_032132.5(HORMAD1):c.803G>A (p.Ser268Asn)

Gene: HORMAD1 (HORMA domain containing 1; minus strand). Cytogenetic location: 1q21.3.
Variant type: single nucleotide variant.
Coding change: c.803G>A on transcript NM_032132.5 (MANE Select); coding-DNA position 803, G replaced by A.
Protein change: p.Ser268Asn; replaces serine 268 with asparagine.
Molecular consequence: missense variant.
Genome position (GRCh38, 1-based): chr1:150,706,554, C>T on the plus strand (G>A on the coding strand, the complement: HORMAD1 is on the minus strand). VCF-style: chr1-150706554-C-T. GRCh37 (hg19) VCF-style: chr1-150679030-C-T.
Other names: c.782G>A, p.Ser261Asn (NM_001199829.2); short protein forms S261N, S268N.
Identifiers: ClinVar variation 4083597 (VCV004083597.8).

ClinVar aggregate classification (germline): Likely benign (1 of 4 stars; one submission).

gnomAD v4.1: 1,117 of 1,601,210 alleles (0.07%); highest among the groups gnomAD compares: Middle Eastern, 1%; 10 homozygotes.

Submission:

CeGaT Center for Human Genetics Tuebingen
Classification: Likely benign. Last evaluated: 2025-07-01. Review status: criteria provided, single submitter. Criteria: CeGaT Center For Human Genetics Tuebingen Variant Classification Criteria Version 2. Collection method: clinical testing. Allele origin: germline. Affected: yes. Observed: 1 variant allele.
Comment: HORMAD1: BP4